The following is an entry in ClinVar:

ClinVar aggregate classification (germline): Uncertain significance. Review status: criteria provided, multiple submitters, no conflicts (2 of 4 stars). 2 submissions from 2 submitters: Uncertain significance (2). Last evaluated 2023-08-01.

Conditions:
Hereditary cancer-predisposing syndrome. Also called: Hereditary neoplastic syndrome; Hereditary Cancer Syndrome; Tumor predisposition; Neoplastic Syndromes, Hereditary. Identifiers: Orphanet 140162, MedGen C0027672, MeSH D009386, MONDO:0015356.

gnomAD v4.1: 4 of 1,515,780 alleles (0.00026%); highest among the groups gnomAD compares: Non-Finnish European, 0.00035%; no homozygotes.

Submissions (2):

Color Diagnostics, LLC DBA Color Health
Classification: Uncertain significance for Hereditary cancer-predisposing syndrome. Last evaluated: 2023-08-01. Review status: criteria provided, single submitter. Criteria: ACMG Guidelines, 2015. Collection method: clinical testing. Allele origin: germline.
Comment: The CDKN2A locus encodes two different gene products, p16INK4a and p14ARF. This variant is located in the 5' untranslated region of the CDKN2A (p16INK4A) gene. To our knowledge, functional studies have not been reported for this variant. This variant has not been reported in individuals affected with CDKN2A-related disorders in the literature. This variant has not been identified in the general population by the Genome Aggregation Database (gnomAD). The available evidence is insufficient to determine the role of this variant in disease conclusively. Therefore, this variant is classified as a Variant of Uncertain Significance.

Sema4
Classification: Uncertain significance for Hereditary cancer-predisposing syndrome. Last evaluated: 2021-08-25. Review status: criteria provided, single submitter. Criteria: Sema4 Curation Guidelines. Collection method: curation. Allele origin: germline.
Comment: The CDKN2A, c.-33G>T variant has has not been reported in literature to our knowledge. This variant was not observed in the large and broad cohorts of the the Genome Aggregation Database (PMID: 32461654). This variant has not been reported in ClinVar. Functional studies have not been performed, and in silico tools that predict the effect of sequence changes are unable to predict the effect of this variation. The overall evidence is insufficient to meet ACMG/AMP criteria for classifying it as benign or pathogenic. In summary, the clinical significance of this variant is currently uncertain.

NM_058195.4(CDKN2A):c.194-3652G>T

Genes: CDKN2A (cyclin dependent kinase inhibitor 2A; minus strand), LOC130001603 (ATAC-STARR-seq lymphoblastoid silent region 19811; plus strand). Cytogenetic location: 9p21.3.
Variant type: single nucleotide variant.
Coding change: c.194-3652G>T on transcript NM_058195.4 (MANE Plus Clinical); 3652 bases into the intron before coding-DNA position 194, G replaced by T.
Molecular consequence: intron variant. On other transcripts: genic upstream transcript variant (1).
Genome position (GRCh38, 1-based): chr9:21,974,860, C>A on the plus strand (G>T on the coding strand, the complement: CDKN2A is on the minus strand). VCF-style: chr9-21974860-C-A. GRCh37 (hg19) VCF-style: chr9-21974859-C-A.
Other names: c.-33G>T (NM_000077.5, NM_000077.6); c.-3-3652G>T (NM_001363763.2).
Identifiers: ClinVar variation 1692140 (VCV001692140.2), dbSNP rs531597737, ClinGen allele CA2573143675.